The following is an entry in ClinVar:

NM_001287.6(CLCN7):c.1504T>C (p.Cys502Arg)

Gene: CLCN7 (chloride voltage-gated channel 7; minus strand). Cytogenetic location: 16p13.3.
Variant type: single nucleotide variant.
Coding change: c.1504T>C on transcript NM_001287.6 (MANE Select); coding-DNA position 1504, T replaced by C.
Protein change: p.Cys502Arg; replaces cysteine 502 with arginine.
Molecular consequence: missense variant.
Genome position (GRCh38, 1-based): chr16:1,450,610, A>G on the plus strand (T>C on the coding strand, the complement: CLCN7 is on the minus strand). VCF-style: chr16-1450610-A-G. GRCh37 (hg19) VCF-style: chr16-1500611-A-G.
Other names: c.1432T>C, p.Cys478Arg (NM_001114331.3); c.1504T>C (NM_001287.4); short protein forms C502R, C478R.
Identifiers: ClinVar variation 2819248 (VCV002819248.4), dbSNP rs2038730689, ClinGen allele CA394187666.

ClinVar aggregate classification (germline): Uncertain significance. Review status: criteria provided, multiple submitters, no conflicts (2 of 4 stars). 2 submissions from 2 submitters: Uncertain significance (2). Last evaluated 2025-06-24.

Conditions:
Inborn genetic diseases. Identifiers: MedGen C0950123, MeSH D030342.

Submissions (2):

Ambry Genetics
Classification: Uncertain significance for Inborn genetic diseases. Last evaluated: 2025-06-24. Review status: criteria provided, single submitter. Criteria: Ambry Variant Classification Scheme 2023. Collection method: clinical testing. Allele origin: germline.

Labcorp Genetics (formerly Invitae), Labcorp
Classification: Uncertain significance. Last evaluated: 2023-06-03. Review status: criteria provided, single submitter. Criteria: Invitae Variant Classification Sherloc (09022015). Collection method: clinical testing. Allele origin: germline.
Comment: This sequence change replaces cysteine, which is neutral and slightly polar, with arginine, which is basic and polar, at codon 502 of the CLCN7 protein (p.Cys502Arg). This variant is not present in population databases (gnomAD no frequency). This variant has not been reported in the literature in individuals affected with CLCN7-related conditions. Advanced modeling of protein sequence and biophysical properties (such as structural, functional, and spatial information, amino acid conservation, physicochemical variation, residue mobility, and thermodynamic stability) performed at Invitae indicates that this missense variant is expected to disrupt CLCN7 protein function. In summary, the available evidence is currently insufficient to determine the role of this variant in disease. Therefore, it has been classified as a Variant of Uncertain Significance.